The following is an entry in ClinVar:

NM_025137.4(SPG11):c.3824C>A (p.Ala1275Asp)

Gene: SPG11 (SPG11 vesicle trafficking associated, spatacsin; minus strand). Cytogenetic location: 15q21.1.
Variant type: single nucleotide variant.
Coding change: c.3824C>A on transcript NM_025137.4 (MANE Select); coding-DNA position 3824, C replaced by A.
Protein change: p.Ala1275Asp; replaces alanine 1275 with aspartic acid.
Molecular consequence: missense variant.
Genome position (GRCh38, 1-based): chr15:44,598,699, G>T on the plus strand (C>A on the coding strand, the complement: SPG11 is on the minus strand). VCF-style: chr15-44598699-G-T. GRCh37 (hg19) VCF-style: chr15-44890897-G-T.
Other names: c.3824C>A, p.Ala1275Asp (NM_001160227.2, NM_001411132.1); short protein forms A1275D.
Identifiers: ClinVar variation 2829432 (VCV002829432.3), dbSNP rs2505394800, ClinGen allele CA392230063.

ClinVar aggregate classification (germline): Uncertain significance (1 of 4 stars; one submission).

Conditions:
Hereditary spastic paraplegia 11. Also called: SPASTIC PARAPLEGIA, AUTOSOMAL RECESSIVE, COMPLICATED, WITH THIN CORPUS CALLOSUM; SPASTIC PARAPLEGIA, AUTOSOMAL RECESSIVE, WITH MENTAL IMPAIRMENT AND THIN CORPUS CALLOSUM; Spastic paraplegia, mental retardation and thin corpus callosum; Spastic Paraplegia 11; Nakamura Osame syndrome; Autosomal recessive hereditary spastic paraplegia, mental impairment, and thin corpus callosum. Identifiers: Orphanet 2822, MedGen C1858479, MONDO:0011445, OMIM 604360.

Submission:

Labcorp Genetics (formerly Invitae), Labcorp
Classification: Uncertain significance for Hereditary spastic paraplegia 11. Last evaluated: 2023-06-17. Review status: criteria provided, single submitter. Criteria: Invitae Variant Classification Sherloc (09022015). Collection method: clinical testing. Allele origin: germline.
Comment: In summary, the available evidence is currently insufficient to determine the role of this variant in disease. Therefore, it has been classified as a Variant of Uncertain Significance. Advanced modeling of protein sequence and biophysical properties (such as structural, functional, and spatial information, amino acid conservation, physicochemical variation, residue mobility, and thermodynamic stability) performed at Invitae indicates that this missense variant is expected to disrupt SPG11 protein function. This missense change has been observed in individual(s) with SPG11-related conditions (Invitae). In at least one individual the data is consistent with being in trans (on the opposite chromosome) from a pathogenic variant. This variant is not present in population databases (gnomAD no frequency). This sequence change replaces alanine, which is neutral and non-polar, with aspartic acid, which is acidic and polar, at codon 1275 of the SPG11 protein (p.Ala1275Asp).